The following is an entry in ClinVar:

NM_152443.3(RDH12):c.523T>G (p.Ser175Ala)

Genes: GPHN (gephyrin; plus strand), RDH12 (retinol dehydrogenase 12; plus strand). Cytogenetic location: 14q24.1.
Variant type: single nucleotide variant.
Coding change: c.523T>G on transcript NM_152443.3 (MANE Select); coding-DNA position 523, T replaced by G.
Protein change: p.Ser175Ala; replaces serine 175 with alanine.
Molecular consequence: missense variant.
Genome position (GRCh38, 1-based): chr14:67,727,055, T>G. VCF-style: chr14-67727055-T-G. GRCh37 (hg19) VCF-style: chr14-68193772-T-G.
Other names: short protein forms S175A.
Identifiers: ClinVar variation 2014214 (VCV002014214.4), dbSNP rs104894472, ClinGen allele CA390150895.
Genomic context (GRCh38, chr14:67,727,055, plus strand): 5'-ACCTACCTGCTCCTGGAGCGGCTAAAGGTGTCTGCCCCTGCACGGGTGGTTAATGTGTCC[T>G]CGGTGGCTCACCACATTGGCAAGATTCCCTTCCACGACCTCCAGAGCGAGAAGCGCTACA-3'
Protein context (NP_689656.2, residues 165-185): SAPARVVNVS[Ser175Ala]VAHHIGKIPF

ClinVar aggregate classification (germline): Uncertain significance (1 of 4 stars; one submission).

Conditions:
Leber congenital amaurosis 13 (LCA13). Identifiers: MedGen C2675186, MONDO:0012990, OMIM 612712.

gnomAD v4.1: 1 of 1,614,066 alleles (0.000062%); no homozygotes.

Submission:

Labcorp Genetics (formerly Invitae), Labcorp
Classification: Uncertain significance for Leber congenital amaurosis 13. Last evaluated: 2024-10-22. Review status: criteria provided, single submitter. Criteria: Invitae Variant Classification Sherloc (09022015). Collection method: clinical testing. Allele origin: germline.
Comment: This sequence change replaces serine, which is neutral and polar, with alanine, which is neutral and non-polar, at codon 175 of the RDH12 protein (p.Ser175Ala). This variant is not present in population databases (gnomAD no frequency). This variant has not been reported in the literature in individuals affected with RDH12-related conditions. ClinVar contains an entry for this variant (Variation ID: 2014214). Invitae Evidence Modeling of protein sequence and biophysical properties (such as structural, functional, and spatial information, amino acid conservation, physicochemical variation, residue mobility, and thermodynamic stability) indicates that this missense variant is not expected to disrupt RDH12 protein function with a negative predictive value of 80%. This variant disrupts the p.Ser175 amino acid residue in RDH12. Other variant(s) that disrupt this residue have been determined to be pathogenic (PMID: 20683928, 22065924, 30134391). This suggests that this residue is clinically significant, and that variants that disrupt this residue are likely to be disease-causing. In summary, the available evidence is currently insufficient to determine the role of this variant in disease. Therefore, it has been classified as a Variant of Uncertain Significance.

Literature cited by the submitters: PubMed 20683928; PubMed 22065924; PubMed 30134391.